The following is an entry in ClinVar:

ClinVar aggregate classification (germline): Uncertain significance. Review status: criteria provided, multiple submitters, no conflicts (2 of 4 stars). 3 submissions from 3 submitters: Uncertain significance (3). Last evaluated 2022-10-13.

Conditions:
Niemann-Pick disease, type B. Also called: Chronic Visceral ASMD (Niemann-Pick Disease Type B; NPD-B). Identifiers: Orphanet 77293, MedGen C0268243, MONDO:0011871, OMIM 607616. Disease mechanism: loss of function.
Niemann-Pick disease, type A. Also called: SPHINGOMYELIN LIPIDOSIS; SPHINGOMYELINASE DEFICIENCY; Infantile Neurovisceral ASMD (Niemann-Pick Disease Type A; NPD-A). Identifiers: Orphanet 77292, MedGen C0268242, MONDO:0009756, OMIM 257200. Disease mechanism: loss of function.
Inborn genetic diseases. Identifiers: MedGen C0950123, MeSH D030342.

Allele frequency attached by ClinVar (database versions not stated): gnomAD 0.00006; gnomAD exomes 0.00007; ExAC 0.00008; TOPMed 0.00009; 1000 Genomes Project 0.00040; 1000 Genomes Project 30x 0.00047.
gnomAD v4.1: 89 of 1,613,816 alleles (0.0055%); highest among the groups gnomAD compares: Admixed American, 0.017%; no homozygotes.

Submissions (3):

Labcorp Genetics (formerly Invitae), Labcorp
Classification: Uncertain significance for Niemann-Pick disease, type B; Niemann-Pick disease, type A. Last evaluated: 2022-10-13. Review status: criteria provided, single submitter. Criteria: Invitae Variant Classification Sherloc (09022015). Collection method: clinical testing. Allele origin: germline.
Comment: This sequence change replaces arginine, which is basic and polar, with histidine, which is basic and polar, at codon 591 of the SMPD1 protein (p.Arg591His). This variant is present in population databases (rs189116118, gnomAD 0.01%). This variant has not been reported in the literature in individuals affected with SMPD1-related conditions. ClinVar contains an entry for this variant (Variation ID: 596113). Advanced modeling of protein sequence and biophysical properties (such as structural, functional, and spatial information, amino acid conservation, physicochemical variation, residue mobility, and thermodynamic stability) has been performed at Invitae for this missense variant, however the output from this modeling did not meet the statistical confidence thresholds required to predict the impact of this variant on SMPD1 protein function. In summary, the available evidence is currently insufficient to determine the role of this variant in disease. Therefore, it has been classified as a Variant of Uncertain Significance.

Ambry Genetics
Classification: Uncertain significance for Inborn genetic diseases. Last evaluated: 2021-12-03. Review status: criteria provided, single submitter. Criteria: Ambry Variant Classification Scheme 2023. Collection method: clinical testing. Allele origin: germline.

Eurofins Ntd Llc (ga)
Classification: Uncertain significance. Last evaluated: 2018-02-10. Review status: criteria provided, single submitter. Criteria: EGL ClinVar v180209 classification definitions. Collection method: clinical testing. Allele origin: germline. Observed: 1 variant allele, 1 heterozygote.

NM_000543.5(SMPD1):c.1772G>A (p.Arg591His)

Gene: SMPD1 (sphingomyelin phosphodiesterase 1; plus strand). Cytogenetic location: 11p15.4.
Variant type: single nucleotide variant.
Coding change: c.1772G>A on transcript NM_000543.5 (MANE Select); coding-DNA position 1772, G replaced by A.
Protein change: p.Arg591His; replaces arginine 591 with histidine.
Molecular consequence: missense variant. On other transcripts: 3 prime UTR variant (1), non-coding transcript variant (2).
Genome position (GRCh38, 1-based): chr11:6,394,483, G>A. VCF-style: chr11-6394483-G-A. GRCh37 (hg19) VCF-style: chr11-6415713-G-A.
Other names: c.1772G>A (NM_000543.4); c.1769G>A, p.Arg590His (NM_001007593.3); c.*265G>A (NM_001318087.2); c.851G>A, p.Arg284His (NM_001318088.2); c.1640G>A, p.Arg547His (NM_001365135.2); short protein forms R591H, R284H, R547H, R590H.
Identifiers: ClinVar variation 596113 (VCV000596113.7), dbSNP rs189116118, ClinGen allele CA5852988.